The following is an entry in ClinVar:

ClinVar aggregate classification (germline): Uncertain significance (1 of 4 stars; one submission).

Conditions:
Juvenile polyposis syndrome (JPS). Identifiers: Orphanet 2929, MedGen C0345893, MONDO:0017380, OMIM 174900.

Submission:

Labcorp Genetics (formerly Invitae), Labcorp
Classification: Uncertain significance for Juvenile polyposis syndrome. Last evaluated: 2020-12-29. Review status: criteria provided, single submitter. Criteria: Invitae Variant Classification Sherloc (09022015). Collection method: clinical testing. Allele origin: germline.
Comment: Advanced modeling of protein sequence and biophysical properties (such as structural, functional, and spatial information, amino acid conservation, physicochemical variation, residue mobility, and thermodynamic stability) performed at Invitae indicates that this missense variant is expected to disrupt SMAD4 protein function. This variant has not been reported in the literature in individuals with SMAD4-related conditions. This variant is not present in population databases (ExAC no frequency). This sequence change replaces proline with arginine at codon 548 of the SMAD4 protein (p.Pro548Arg). The proline residue is highly conserved and there is a moderate physicochemical difference between proline and arginine. In summary, the available evidence is currently insufficient to determine the role of this variant in disease. Therefore, it has been classified as a Variant of Uncertain Significance.

NM_005359.6(SMAD4):c.1643C>G (p.Pro548Arg)

Gene: SMAD4 (SMAD family member 4; plus strand). Cytogenetic location: 18q21.2.
Variant type: single nucleotide variant.
Coding change: c.1643C>G on transcript NM_005359.6 (MANE Select); coding-DNA position 1643, C replaced by G.
Protein change: p.Pro548Arg; replaces proline 548 with arginine.
Molecular consequence: missense variant.
Genome position (GRCh38, 1-based): chr18:51,078,451, C>G. VCF-style: chr18-51078451-C-G. GRCh37 (hg19) VCF-style: chr18-48604821-C-G.
Other names: short protein forms P548R.
Identifiers: ClinVar variation 1433370 (VCV001433370.8), dbSNP rs2144479765, ClinGen allele CA402466214.